The following is an entry in ClinVar:

NM_001903.5(CTNNA1):c.648del (p.Asn217fs)

Gene: CTNNA1 (catenin alpha 1; plus strand). Cytogenetic location: 5q31.2.
Variant type: Deletion.
Coding change: c.648del on transcript NM_001903.5 (MANE Select); coding-DNA position 648, one base deleted (G; older notation c.648delG).
Protein change: p.Asn217fs; shifts the reading frame from asparagine 217.
Molecular consequence: frameshift variant.
Genome position (GRCh38, 1-based): chr5:138,824,589, G deleted. VCF-style (leftmost placement, unchanged base first): chr5-138824588-AG-A. GRCh37 (hg19) VCF-style: chr5-138160277-AG-A.
Other names: c.648delG (NM_001903.2); c.648del, p.Asn217fs (NM_001290307.3, NM_001323982.2, NM_001323983.1 and 3 more transcripts); c.339del, p.Asn114fs (NM_001290309.3); c.279del, p.Asn94fs (NM_001290310.3); short protein forms N114fs, N217fs, N94fs.
Identifiers: ClinVar variation 1020564 (VCV001020564.9), dbSNP rs1760445854, ClinGen allele CA1586035441.

ClinVar aggregate classification (germline): Pathogenic. Review status: criteria provided, multiple submitters, no conflicts (2 of 4 stars). 2 submissions from 2 submitters: Pathogenic (2). Last evaluated 2025-07-15.

Conditions:
Hereditary cancer-predisposing syndrome. Also called: Tumor predisposition; Neoplastic Syndromes, Hereditary; Hereditary neoplastic syndrome; Hereditary Cancer Syndrome. Identifiers: Orphanet 140162, MedGen C0027672, MeSH D009386, MONDO:0015356.

Submissions (2):

Ambry Genetics
Classification: Pathogenic for Hereditary cancer-predisposing syndrome. Last evaluated: 2025-07-15. Review status: criteria provided, single submitter. Criteria: Ambry Variant Classification Scheme 2023. Collection method: clinical testing. Allele origin: germline.
Comment: The c.648delG pathogenic mutation, located in coding exon 5 of the CTNNA1 gene, results from a deletion of one nucleotide at nucleotide position 648, causing a translational frameshift with a predicted alternate stop codon (p.N217Tfs*27). This variant is considered to be rare based on population cohorts in the Genome Aggregation Database (gnomAD). This alteration is expected to result in loss of function by premature protein truncation or nonsense-mediated mRNA decay. As such, this alteration is interpreted as a disease-causing mutation.

Labcorp Genetics (formerly Invitae), Labcorp
Classification: Pathogenic. Last evaluated: 2024-04-29. Review status: criteria provided, single submitter. Criteria: Invitae Variant Classification Sherloc (09022015). Collection method: clinical testing. Allele origin: germline.
Comment: This sequence change creates a premature translational stop signal (p.Asn217Thrfs*27) in the CTNNA1 gene. It is expected to result in an absent or disrupted protein product. Loss-of-function variants in CTNNA1 are known to be pathogenic (PMID: 32051609, 34425242). This variant is not present in population databases (gnomAD no frequency). This variant has not been reported in the literature in individuals affected with CTNNA1-related conditions. ClinVar contains an entry for this variant (Variation ID: 1020564). For these reasons, this variant has been classified as Pathogenic.

Literature cited by the submitters: PubMed 32051609 (cited by Labcorp Genetics (formerly Invitae), Labcorp); PubMed 34425242 (cited by Labcorp Genetics (formerly Invitae), Labcorp).